The following is an entry in ClinVar:

NC_000015.9:g.(?_43282208)_(43398220_?)del

Gene: UBR1 (ubiquitin protein ligase E3 component n-recognin 1; minus strand). Cytogenetic location: 15q15.2.
Variant type: Deletion.
Identifiers: ClinVar variation 3243922 (VCV003243922.1).

ClinVar aggregate classification (germline): Pathogenic (1 of 4 stars; one submission).

Submission:

Labcorp Genetics (formerly Invitae), Labcorp
Classification: Pathogenic. Last evaluated: 2024-01-04. Review status: criteria provided, single submitter. Criteria: Invitae Variant Classification Sherloc (09022015). Collection method: clinical testing. Allele origin: unknown.
Comment: This variant is a gross deletion of the genomic region encompassing exon(s) 1-34 of the UBR1 gene, which includes the initiator codon. This deletion extends beyond the assayed region for this gene and therefore may encompass additional genes. It is expected to result in an absent or disrupted protein product. Loss-of-function variants in UBR1 are known to be pathogenic (PMID: 24599544). This variant has not been reported in the literature in individuals affected with UBR1-related conditions. For these reasons, this variant has been classified as Pathogenic.

Literature cited by the submitters: PubMed 24599544.